The following is an entry in ClinVar:

NM_001290321.3(DMXL1):c.3123T>A (p.Thr1041=)

Gene: DMXL1 (Dmx like 1; plus strand). Cytogenetic location: 5q23.1.
Variant type: single nucleotide variant.
Coding change: c.3123T>A on transcript NM_001290321.3 (MANE Select); coding-DNA position 3123, T replaced by A.
Protein change: p.Thr1041=; no amino-acid change (threonine 1041 retained).
Molecular consequence: synonymous variant. On other transcripts: non-coding transcript variant (3).
Genome position (GRCh38, 1-based): chr5:119,148,950, T>A. VCF-style: chr5-119148950-T-A. GRCh37 (hg19) VCF-style: chr5-118484645-T-A.
Other names: c.3123T>A, p.Thr1041= (NM_001349239.2, NM_001349240.2, NM_001387933.1 and 2 more transcripts); c.2418T>A, p.Thr806= (NM_001387937.1); c.2136T>A, p.Thr712= (NM_001387938.1).
Identifiers: ClinVar variation 3352203 (VCV003352203.1).

ClinVar aggregate classification (germline): Likely benign (0 of 4 stars; one submission).

Conditions:
DMXL1-related disorder. Also called: DMXL1-related condition.

gnomAD v4.1: 4 of 1,613,968 alleles (0.00025%); highest among the groups gnomAD compares: Middle Eastern, 0.066%; no homozygotes.

Submission:

PreventionGenetics, part of Exact Sciences
Classification: Likely benign for DMXL1-related condition. Last evaluated: 2019-06-20. Review status: no assertion criteria provided. Collection method: clinical testing. Allele origin: germline.
Comment: This variant is classified as likely benign based on ACMG/AMP sequence variant interpretation guidelines (Richards et al. 2015 PMID: 25741868, with internal and published modifications).